The following is an entry in ClinVar:

ClinVar aggregate classification (germline): Uncertain significance (1 of 4 stars; one submission).

Conditions:
Hereditary cancer-predisposing syndrome. Also called: Tumor predisposition; Hereditary neoplastic syndrome; Hereditary Cancer Syndrome; Neoplastic Syndromes, Hereditary. Identifiers: Orphanet 140162, MedGen C0027672, MeSH D009386, MONDO:0015356.

Submission:

Color Diagnostics, LLC DBA Color Health
Classification: Uncertain significance for Hereditary cancer-predisposing syndrome. Last evaluated: 2020-07-21. Review status: criteria provided, single submitter. Criteria: ACMG Guidelines, 2015. Collection method: clinical testing. Allele origin: germline.
Comment: This missense variant replaces isoleucine with methionine at codon 3224 of the BRCA2 protein. Computational prediction suggests that this variant may not impact protein structure and function (internally defined REVEL score threshold <= 0.5, PMID: 27666373). To our knowledge, functional studies have not been reported for this variant. This variant has not been reported in individuals affected with hereditary cancer in the literature. This variant has not been identified in the general population by the Genome Aggregation Database (gnomAD). The available evidence is insufficient to determine the role of this variant in disease conclusively. Therefore, this variant is classified as a Variant of Uncertain Significance.

NM_000059.4(BRCA2):c.9672A>G (p.Ile3224Met)

Gene: BRCA2 (BRCA2 DNA repair associated; plus strand). Cytogenetic location: 13q13.1.
Variant type: single nucleotide variant.
Coding change: c.9672A>G on transcript NM_000059.4 (MANE Select); coding-DNA position 9672, A replaced by G.
Protein change: p.Ile3224Met; replaces isoleucine 3224 with methionine.
Molecular consequence: missense variant.
Genome position (GRCh38, 1-based): chr13:32,398,185, A>G. VCF-style: chr13-32398185-A-G. GRCh37 (hg19) VCF-style: chr13-32972322-A-G.
Other names: short protein forms I3224M.
Identifiers: ClinVar variation 1172228 (VCV001172228.2), dbSNP rs2073049256, ClinGen allele CA387765190.